The following is an entry in ClinVar:

NM_005802.5(TOPORS):c.1322C>T (p.Thr441Ile)

Gene: TOPORS (TOP1 binding arginine/serine rich protein, E3 ubiquitin ligase; minus strand). Cytogenetic location: 9p21.1.
Variant type: single nucleotide variant.
Coding change: c.1322C>T on transcript NM_005802.5 (MANE Select); coding-DNA position 1322, C replaced by T.
Protein change: p.Thr441Ile; replaces threonine 441 with isoleucine.
Molecular consequence: missense variant.
Genome position (GRCh38, 1-based): chr9:32,543,203, G>A on the plus strand (C>T on the coding strand, the complement: TOPORS is on the minus strand). VCF-style: chr9-32543203-G-A. GRCh37 (hg19) VCF-style: chr9-32543201-G-A.
Other names: c.1127C>T, p.Thr376Ile (NM_001195622.2); short protein forms T376I, T441I.
Identifiers: ClinVar variation 4761210 (VCV004761210.1).

ClinVar aggregate classification (germline): Uncertain significance (1 of 4 stars; one submission).

Submission:

Labcorp Genetics (formerly Invitae), Labcorp
Classification: Uncertain significance. Last evaluated: 2025-05-07. Review status: criteria provided, single submitter. Criteria: Invitae Variant Classification Sherloc (09022015). Collection method: clinical testing. Allele origin: germline.
Comment: This sequence change replaces threonine, which is neutral and polar, with isoleucine, which is neutral and non-polar, at codon 441 of the TOPORS protein (p.Thr441Ile). This variant is not present in population databases (gnomAD no frequency). This variant has not been reported in the literature in individuals affected with TOPORS-related conditions. An algorithm developed to predict the effect of missense changes on protein structure and function (PolyPhen-2) suggests that this variant is likely to be tolerated. In summary, the available evidence is currently insufficient to determine the role of this variant in disease. Therefore, it has been classified as a Variant of Uncertain Significance.